The following is an entry in ClinVar:

NM_006904.7(PRKDC):c.7409G>A (p.Arg2470Lys)

Gene: PRKDC (protein kinase, DNA-activated, catalytic subunit; minus strand). Cytogenetic location: 8q11.21.
Variant type: single nucleotide variant.
Coding change: c.7409G>A on transcript NM_006904.7 (MANE Select); coding-DNA position 7409, G replaced by A.
Protein change: p.Arg2470Lys; replaces arginine 2470 with lysine.
Molecular consequence: missense variant.
Genome position (GRCh38, 1-based): chr8:47,840,061, C>T on the plus strand (G>A on the coding strand, the complement: PRKDC is on the minus strand). VCF-style: chr8-47840061-C-T. GRCh37 (hg19) VCF-style: chr8-48752622-C-T.
Other names: c.7409G>A, p.Arg2470Lys (NM_001081640.2); short protein forms R2470K.
Identifiers: ClinVar variation 1758764 (VCV001758764.2), dbSNP rs2551867914, ClinGen allele CA371155144.

ClinVar aggregate classification (germline): Uncertain significance (1 of 4 stars; one submission).

Submission:

Ambry Genetics
Classification: Uncertain significance. Last evaluated: 2022-05-25. Review status: criteria provided, single submitter. Criteria: Ambry Variant Classification Scheme 2023. Collection method: clinical testing. Allele origin: germline.
Comment: The p.R2470K variant (also known as c.7409G>A), located in coding exon 55 of the PRKDC gene, results from a G to A substitution at nucleotide position 7409. The arginine at codon 2470 is replaced by lysine, an amino acid with highly similar properties. This amino acid position is conserved. Since supporting evidence is limited at this time, the clinical significance of this alteration remains unclear.